The following is an entry in ClinVar:

ClinVar aggregate classification (germline): Uncertain significance. Review status: criteria provided, multiple submitters, no conflicts (2 of 4 stars). 2 submissions from 2 submitters: Uncertain significance (2). Last evaluated 2022-12-02.

Conditions:
Nemaline myopathy 2 (NEM2). Also called: Nemaline myopathy 2, autosomal recessive. Identifiers: MedGen C1850569, MONDO:0009725, OMIM 256030.
Arthrogryposis multiplex congenita 6. Identifiers: MedGen C5543431, MONDO:0030281, OMIM 619334.

Submissions (2):

Diagnostics Services (NGS), CSIR - Centre For Cellular And Molecular Biology
Classification: Uncertain significance for Nemaline myopathy 2; Arthrogryposis multiplex congenita 6. Last evaluated: 2022-12-02. Review status: criteria provided, single submitter. Criteria: ACMG Guidelines, 2015. Collection method: clinical testing. Allele origin: unknown. Affected: no. Observed: 1 variant allele, 1 heterozygote.
Comment: This variant was identified as a part of carrier screening. The c.17536A>G variant is not present in publicly available population databases like 1000 Genomes, EVS, ExAC, gnomAD, Indian Exome Database or our in-house-exome database. This variant has neither been published nor reported to clinical databases like ClinVar, Human Genome Mutation Database (HGMD) or OMIM, in any affected individuals. In silico pathogenicity prediction programs like PolyPhen2, MutationTaster2, CADD etc predicted this variant to be likely deleterious, however these predictions were not confirmed by any published functional studies.

Revvity Omics, Revvity
Classification: Uncertain significance. Last evaluated: 2022-06-13. Review status: criteria provided, single submitter. Criteria: ACMG Guidelines, 2015. Collection method: clinical testing. Allele origin: germline.

NM_001164508.2(NEB):c.22639A>G (p.Met7547Val)

Genes: NEB (nebulin; minus strand), RIF1 (replication timing regulatory factor 1; plus strand). Cytogenetic location: 2q23.3.
Variant type: single nucleotide variant.
Coding change: c.22639A>G on transcript NM_001164508.2 (MANE Select); coding-DNA position 22639, A replaced by G.
Protein change: p.Met7547Val; replaces methionine 7547 with valine.
Molecular consequence: missense variant.
Genome position (GRCh38, 1-based): chr2:151,519,021, T>C on the plus strand (A>G on the coding strand, the complement: NEB is on the minus strand). VCF-style: chr2-151519021-T-C. GRCh37 (hg19) VCF-style: chr2-152375535-T-C.
Other names: c.22639A>G, p.Met7547Val (NM_001164507.2); c.22744A>G, p.Met7582Val (NM_001271208.2); c.17536A>G, p.Met5846Val (NM_004543.5); short protein forms M5846V, M7547V, M7582V.
Identifiers: ClinVar variation 1802280 (VCV001802280.6), dbSNP rs2080081717, ClinGen allele CA348760679.
Genomic context (GRCh38, chr2:151,519,021, plus strand): 5'-TTACAGAACTGGCAAGTTGGCTTGTATTCAGGACATGATTCATGATCAGAGACTCCTTCA[T>C]GTCAGTCACGGGTTTGTGAAGTTTCTTCAGGTCAGCCTTGTATTTAACCTGTGTGTTATG-3'
Protein context (NP_001157980.2, residues 7537-7557): LKKLHKPVTD[Met7547Val]KESLIMNHVL